The following is an entry in ClinVar:

ClinVar aggregate classification (germline): Uncertain significance (1 of 4 stars; one submission).

Submission:

GeneDx
Classification: Uncertain significance. Last evaluated: 2022-03-26. Review status: criteria provided, single submitter. Criteria: GeneDx Variant Classification Process June 2021. Collection method: clinical testing. Allele origin: germline. Affected: yes.
Comment: Not observed at significant frequency in large population cohorts (gnomAD); Frameshift variant predicted to result in protein truncation as the last 191 amino acids are replaced with 11 different amino acids, although loss-of-function variants have not been reported downstream of this position in the protein; Has not been previously published as pathogenic or benign to our knowledge

NM_014415.4(ZBTB11):c.2586dup (p.Cys863fs)

Gene: ZBTB11 (zinc finger and BTB domain containing 11; minus strand). Cytogenetic location: 3q12.3.
Variant type: Duplication.
Coding change: c.2586dup on transcript NM_014415.4 (MANE Select); coding-DNA position 2586, one base duplicated (A; older notation c.2586dupA).
Protein change: p.Cys863fs; shifts the reading frame from cysteine 863.
Molecular consequence: frameshift variant.
Genome position (GRCh38, 1-based): chr3:101,652,554, T duplicated on the plus strand (A on the coding strand, the reverse complement: ZBTB11 is on the minus strand); the first of 5 consecutive T bases (chr3:101,652,554-101,652,558); duplicating any one gives the same sequence. VCF-style (leftmost placement, unchanged base first): chr3-101652553-A-AT. GRCh37 (hg19) VCF-style: chr3-101371397-A-AT.
Other names: short protein forms C863fs.
Identifiers: ClinVar variation 1706735 (VCV001706735.2), dbSNP rs2545758464, ClinGen allele CA2580068601.
Genomic context (GRCh38, chr3:101,652,553, plus strand): 5'-TACCTTCATGGTTGTTCATGTGTCTCCTATACTCTCTTAGCTGAGTGAATTTTCTTCCAC[A>AT]TTTTTCACACACCCGTTCCAGGTTTTGCTTTGCTCTTCCTTTCTTCCCATGGGTAGCTTT-3'